The following is an entry in ClinVar:

NM_002181.4(IHH):c.128A>G (p.Lys43Arg)

Gene: IHH (Indian hedgehog signaling molecule; minus strand). Cytogenetic location: 2q35.
Variant type: single nucleotide variant.
Coding change: c.128A>G on transcript NM_002181.4 (MANE Select); coding-DNA position 128, A replaced by G.
Protein change: p.Lys43Arg; replaces lysine 43 with arginine.
Molecular consequence: missense variant.
Genome position (GRCh38, 1-based): chr2:219,060,340, T>C on the plus strand (A>G on the coding strand, the complement: IHH is on the minus strand). VCF-style: chr2-219060340-T-C. GRCh37 (hg19) VCF-style: chr2-219925062-T-C.
Other names: short protein forms K43R.
Identifiers: ClinVar variation 2385329 (VCV002385329.4), dbSNP rs746341121, ClinGen allele CA2116768.

ClinVar aggregate classification (germline): Uncertain significance. Review status: criteria provided, multiple submitters, no conflicts (2 of 4 stars). 3 submissions from 3 submitters: Uncertain significance (3). Last evaluated 2025-07-22.

Conditions:
Inborn genetic diseases. Identifiers: MedGen C0950123, MeSH D030342.

Allele frequency attached by ClinVar (database versions not stated): gnomAD 0.00001; gnomAD exomes 0.00001; TOPMed 0.00002; ExAC 0.00003.
gnomAD v4.1: 15 of 1,609,500 alleles (0.00093%); highest among the groups gnomAD compares: Middle Eastern, 0.016%; no homozygotes.

Submissions (3):

Labcorp Genetics (formerly Invitae), Labcorp
Classification: Uncertain significance. Last evaluated: 2025-07-22. Review status: criteria provided, single submitter. Criteria: Invitae Variant Classification Sherloc (09022015). Collection method: clinical testing. Allele origin: germline.
Comment: This sequence change replaces lysine, which is basic and polar, with arginine, which is basic and polar, at codon 43 of the IHH protein (p.Lys43Arg). The frequency data for this variant in the population databases is considered unreliable, as metrics indicate poor data quality at this position in the gnomAD database. This variant has not been reported in the literature in individuals affected with IHH-related conditions. ClinVar contains an entry for this variant (Variation ID: 2385329). Invitae Evidence Modeling of protein sequence and biophysical properties (such as structural, functional, and spatial information, amino acid conservation, physicochemical variation, residue mobility, and thermodynamic stability) indicates that this missense variant is not expected to disrupt IHH protein function with a negative predictive value of 80%. In summary, the available evidence is currently insufficient to determine the role of this variant in disease. Therefore, it has been classified as a Variant of Uncertain Significance.

Blueprint Genetics
Classification: Uncertain significance. Last evaluated: 2024-07-18. Review status: criteria provided, single submitter. Criteria: ACMG Guidelines, 2015. Collection method: clinical testing. Allele origin: germline.

Ambry Genetics
Classification: Uncertain significance for Inborn genetic diseases. Last evaluated: 2021-08-17. Review status: criteria provided, single submitter. Criteria: Ambry Variant Classification Scheme 2023. Collection method: clinical testing. Allele origin: germline.